The following is an entry in ClinVar:

NM_002049.4(GATA1):c.595T>A (p.Cys199Ser)

Gene: GATA1 (GATA binding protein 1; plus strand). Cytogenetic location: Xp11.23.
Variant type: single nucleotide variant.
Coding change: c.595T>A on transcript NM_002049.4 (MANE Select); coding-DNA position 595, T replaced by A.
Protein change: p.Cys199Ser; replaces cysteine 199 with serine.
Molecular consequence: missense variant.
Genome position (GRCh38, 1-based): chrX:48,792,218, T>A. VCF-style: chrX-48792218-T-A. GRCh37 (hg19) VCF-style: chrX-48650625-T-A.
Other names: short protein forms C199S.
Identifiers: ClinVar variation 2432043 (VCV002432043.5), dbSNP rs782750237, ClinGen allele CA10404624.

ClinVar aggregate classification (germline): Uncertain significance. Review status: criteria provided, multiple submitters, no conflicts (2 of 4 stars). 2 submissions from 2 submitters: Uncertain significance (2). Last evaluated 2024-02-23.

Conditions:
GATA binding protein 1 related thrombocytopenia with dyserythropoiesis. Also called: GATA1-Related Cytopenia; GATA1-Related X-Linked Cytopenia. Identifiers: MedGen C1845837, MONDO:0100089.
Diamond-Blackfan anemia. Also called: Blackfan Diamond syndrome; Aregenerative anemia chronic congenital; Red cell aplasia, pure hereditary; Congenital hypoplastic anemia; Aase syndrome. Identifiers: Orphanet 124, MedGen C1260899, MeSH D029503, MONDO:0015253, HP:0004810.

Allele frequency attached by ClinVar (database versions not stated): ExAC 0.00001.

Submissions (2):

Labcorp Genetics (formerly Invitae), Labcorp
Classification: Uncertain significance for GATA binding protein 1 related thrombocytopenia with dyserythropoiesis; Diamond-Blackfan anemia. Last evaluated: 2024-02-23. Review status: criteria provided, single submitter. Criteria: Invitae Variant Classification Sherloc (09022015). Collection method: clinical testing. Allele origin: germline.
Comment: This sequence change replaces cysteine, which is neutral and slightly polar, with serine, which is neutral and polar, at codon 199 of the GATA1 protein (p.Cys199Ser). This variant is present in population databases (rs782750237, gnomAD 0.005%), including at least one homozygous and/or hemizygous individual. This variant has not been reported in the literature in individuals affected with GATA1-related conditions. ClinVar contains an entry for this variant (Variation ID: 2432043). Advanced modeling of protein sequence and biophysical properties (such as structural, functional, and spatial information, amino acid conservation, physicochemical variation, residue mobility, and thermodynamic stability) performed at Invitae indicates that this missense variant is not expected to disrupt GATA1 protein function with a negative predictive value of 80%. In summary, the available evidence is currently insufficient to determine the role of this variant in disease. Therefore, it has been classified as a Variant of Uncertain Significance.

Revvity Omics, Revvity
Classification: Uncertain significance. Last evaluated: 2021-09-28. Review status: criteria provided, single submitter. Criteria: ACMG Guidelines, 2015. Collection method: clinical testing. Allele origin: germline.